The following is an entry in ClinVar:

NM_001367721.1(CASK):c.1669-3C>T

Gene: CASK (calcium/calmodulin dependent serine protein kinase; minus strand). Cytogenetic location: Xp11.4.
Variant type: single nucleotide variant.
Coding change: c.1669-3C>T on transcript NM_001367721.1 (MANE Select); 3 bases into the intron before coding-DNA position 1669, C replaced by T.
Molecular consequence: intron variant.
Genome position (GRCh38, 1-based): chrX:41,559,850, G>A on the plus strand (C>T on the coding strand, the complement: CASK is on the minus strand). VCF-style: chrX-41559850-G-A. GRCh37 (hg19) VCF-style: chrX-41419103-G-A.
Other names: c.1651-3C>T (NM_001126055.3, NM_001410745.1); c.1669-3C>T (NM_001126054.3, NM_003688.4).
Identifiers: ClinVar variation 4702822 (VCV004702822.1).

ClinVar aggregate classification (germline): Uncertain significance (1 of 4 stars; one submission).

Conditions:
Intellectual disability, CASK-related, X-linked. Identifiers: MedGen CN043158.

Submission:

Labcorp Genetics (formerly Invitae), Labcorp
Classification: Uncertain significance for Intellectual disability, CASK-related, X-linked. Last evaluated: 2025-04-29. Review status: criteria provided, single submitter. Criteria: Invitae Variant Classification Sherloc (09022015). Collection method: clinical testing. Allele origin: germline.
Comment: This sequence change falls in intron 17 of the CASK gene. It does not directly change the encoded amino acid sequence of the CASK protein. It affects a nucleotide within the consensus splice site. This variant is not present in population databases (gnomAD no frequency). This variant has not been reported in the literature in individuals affected with CASK-related conditions. Variants that disrupt the consensus splice site are a relatively common cause of aberrant splicing (PMID: 17576681, 9536098). Algorithms developed to predict the effect of sequence changes on RNA splicing suggest that this variant is not likely to affect RNA splicing. In summary, the available evidence is currently insufficient to determine the role of this variant in disease. Therefore, it has been classified as a Variant of Uncertain Significance.

Literature cited by the submitters: PubMed 17576681; PubMed 9536098.